The following is an entry in ClinVar:

NM_020166.5(MCCC1):c.135A>T (p.Thr45=)

Gene: MCCC1 (methylcrotonyl-CoA carboxylase subunit 1; minus strand). Cytogenetic location: 3q27.1.
Variant type: single nucleotide variant.
Coding change: c.135A>T on transcript NM_020166.5 (MANE Select); coding-DNA position 135, A replaced by T.
Protein change: p.Thr45=; no amino-acid change (threonine 45 retained).
Molecular consequence: synonymous variant. On other transcripts: missense variant (1), 5 prime UTR variant (1), non-coding transcript variant (2).
Genome position (GRCh38, 1-based): chr3:183,094,560, T>A on the plus strand (A>T on the coding strand, the complement: MCCC1 is on the minus strand). VCF-style: chr3-183094560-T-A. GRCh37 (hg19) VCF-style: chr3-182812348-T-A.
Other names: c.43A>T, p.Arg15Trp (NM_001293273.2); c.-56A>T (NM_001363880.1); short protein forms R15W.
Identifiers: ClinVar variation 1500927 (VCV001500927.6), dbSNP rs1286585591, ClinGen allele CA437096613.

ClinVar aggregate classification (germline): Uncertain significance (1 of 4 stars; one submission).

Conditions:
3-methylcrotonyl-CoA carboxylase 1 deficiency (MCC1D). Also called: MCCD TYPE 1; METHYLCROTONYLGLYCINURIA TYPE I; MCC 1 deficiency; 3 Alpha methylcrotonylglycinuria 1. Identifiers: Orphanet 6, MedGen CN028786, MONDO:0008861, OMIM 210200.

Allele frequency attached by ClinVar (database versions not stated): gnomAD exomes 0.00001.

Submission:

Labcorp Genetics (formerly Invitae), Labcorp
Classification: Uncertain significance for 3-methylcrotonyl-CoA carboxylase 1 deficiency. Last evaluated: 2021-05-04. Review status: criteria provided, single submitter. Criteria: Invitae Variant Classification Sherloc (09022015). Collection method: clinical testing. Allele origin: germline.
Comment: In summary, the available evidence is currently insufficient to determine the role of this variant in disease. Therefore, it has been classified as a Variant of Uncertain Significance. Algorithms developed to predict the effect of sequence changes on RNA splicing suggest that this variant may disrupt the consensus splice site, but this prediction has not been confirmed by published transcriptional studies. This variant has not been reported in the literature in individuals with MCCC1-related conditions. This variant is not present in population databases (ExAC no frequency). This sequence change affects codon 45 of the MCCC1 mRNA. It is a 'silent' change, meaning that it does not change the encoded amino acid sequence of the MCCC1 protein.